The following is an entry in ClinVar:

ClinVar aggregate classification (germline): Uncertain significance (1 of 4 stars; one submission).

Submission:

CeGaT Center for Human Genetics Tuebingen
Classification: Uncertain significance. Last evaluated: 2022-05-01. Review status: criteria provided, single submitter. Criteria: CeGaT Center For Human Genetics Tuebingen Variant Classification Criteria Version 2. Collection method: clinical testing. Allele origin: germline. Affected: yes. Observed: 1 variant allele.
Comment: GCH1: PM2, PM5, PP3

NM_000161.3(GCH1):c.4G>A (p.Glu2Lys)

Genes: GCH1 (GTP cyclohydrolase 1; minus strand), LOC130055692 (ATAC-STARR-seq lymphoblastoid silent region 5776; plus strand). Cytogenetic location: 14q22.2.
Variant type: single nucleotide variant.
Coding change: c.4G>A on transcript NM_000161.3 (MANE Select); coding-DNA position 4, G replaced by A.
Protein change: p.Glu2Lys; replaces glutamic acid 2 with lysine.
Molecular consequence: missense variant.
Genome position (GRCh38, 1-based): chr14:54,902,660, C>T on the plus strand (G>A on the coding strand, the complement: GCH1 is on the minus strand). VCF-style: chr14-54902660-C-T. GRCh37 (hg19) VCF-style: chr14-55369378-C-T.
Other names: c.4G>A, p.Glu2Lys (NM_001024024.2, NM_001024070.2, NM_001024071.2); short protein forms E2K.
Identifiers: ClinVar variation 1694720 (VCV001694720.31), dbSNP rs2140127817, ClinGen allele CA389795019.